The following is an entry in ClinVar:

NM_001386298.1(CIC):c.944C>T (p.Pro315Leu)

Gene: CIC (capicua transcriptional repressor; plus strand). Cytogenetic location: 19q13.2.
Variant type: single nucleotide variant.
Coding change: c.944C>T on transcript NM_001386298.1 (MANE Select); coding-DNA position 944, C replaced by T.
Protein change: p.Pro315Leu; replaces proline 315 with leucine.
Molecular consequence: missense variant.
Genome position (GRCh38, 1-based): chr19:42,272,727, C>T. VCF-style: chr19-42272727-C-T. GRCh37 (hg19) VCF-style: chr19-42776879-C-T.
Other names: c.944C>T, p.Pro315Leu (NM_001304815.2, NM_001379480.1, NM_001379482.1 and 6 more transcripts); short protein forms P315L.
Identifiers: ClinVar variation 4821891 (VCV004821891.4).

ClinVar aggregate classification (germline): Likely benign (1 of 4 stars; one submission).

gnomAD v4.1: 30 of 398,952 alleles (0.0075%); highest among the groups gnomAD compares: South Asian, 0.22%; no homozygotes.

Submission:

CeGaT Center for Human Genetics Tuebingen
Classification: Likely benign. Last evaluated: 2026-01-01. Review status: criteria provided, single submitter. Criteria: CeGaT Center For Human Genetics Tuebingen Variant Classification Criteria Version 2. Collection method: clinical testing. Allele origin: germline. Affected: yes. Observed: 1 variant allele.
Comment: CIC: BS2